The following is an entry in ClinVar:

NM_000141.5(FGFR2):c.1212C>T (p.Thr404=)

Gene: FGFR2 (fibroblast growth factor receptor 2; minus strand). Cytogenetic location: 10q26.13.
Variant type: single nucleotide variant.
Coding change: c.1212C>T on transcript NM_000141.5 (MANE Select); coding-DNA position 1212, C replaced by T.
Protein change: p.Thr404=; no amino-acid change (threonine 404 retained).
Molecular consequence: synonymous variant. On other transcripts: non-coding transcript variant (1), intron variant (1).
Genome position (GRCh38, 1-based): chr10:121,515,192, G>A on the plus strand (C>T on the coding strand, the complement: FGFR2 is on the minus strand). VCF-style: chr10-121515192-G-A. GRCh37 (hg19) VCF-style: chr10-123274706-G-A.
Other names: c.1215C>T, p.Thr405= (NM_001144913.1, NM_022970.4); c.876C>T, p.Thr292= (NM_001144914.1); c.945C>T, p.Thr315= (NM_001144915.2, NM_023029.3); c.867C>T, p.Thr289= (NM_001144916.2, NM_001144918.2); c.948C>T, p.Thr316= (NM_001144919.2); c.528C>T, p.Thr176= (NM_001320654.2); c.1212C>T, p.Thr404= (NM_001320658.2); c.939+4787C>T (NM_001144917.2).
Identifiers: ClinVar variation 3604511 (VCV003604511.3).

ClinVar aggregate classification (germline): Conflicting classifications of pathogenicity. Review status: criteria provided, conflicting classifications (1 of 4 stars). 2 submissions from 2 submitters: Uncertain significance (1); Likely benign (1). Last evaluated 2025-07-27.

Conditions:
FGFR2-related craniosynostosis. Identifiers: MedGen CN231480.

gnomAD v4.1: 3 of 1,614,162 alleles (0.00019%); highest among the groups gnomAD compares: Non-Finnish European, 0.00025%; no homozygotes.

Submissions (2):

GeneDx
Classification: Uncertain significance. Last evaluated: 2025-07-27. Review status: criteria provided, single submitter. Criteria: GeneDx Variant Classification Process June 2021. Collection method: clinical testing. Allele origin: germline. Affected: yes.
Comment: In silico analysis suggests that this variant does not alter splicing; Has not been previously published as pathogenic or benign to our knowledge

Labcorp Genetics (formerly Invitae), Labcorp
Classification: Likely benign for FGFR2-related craniosynostosis. Last evaluated: 2024-11-29. Review status: criteria provided, single submitter. Criteria: Invitae Variant Classification Sherloc (09022015). Collection method: clinical testing. Allele origin: germline.